The following is an entry in ClinVar:

ClinVar aggregate classification (germline): Uncertain significance (1 of 4 stars; one submission).

Conditions:
Cryopyrin associated periodic syndrome (CAPS). Identifiers: Orphanet 208650, MedGen C2316212, MONDO:0016168.

gnomAD v4.1: 1 of 1,614,080 alleles (0.000062%); no homozygotes.

Submission:

Labcorp Genetics (formerly Invitae), Labcorp
Classification: Uncertain significance for Cryopyrin associated periodic syndrome. Last evaluated: 2023-12-15. Review status: criteria provided, single submitter. Criteria: Invitae Variant Classification Sherloc (09022015). Collection method: clinical testing. Allele origin: germline.
Comment: This sequence change replaces serine, which is neutral and polar, with asparagine, which is neutral and polar, at codon 428 of the NLRP3 protein (p.Ser428Asn). This variant is not present in population databases (gnomAD no frequency). This variant has not been reported in the literature in individuals affected with NLRP3-related conditions. Advanced modeling of protein sequence and biophysical properties (such as structural, functional, and spatial information, amino acid conservation, physicochemical variation, residue mobility, and thermodynamic stability) has been performed at Invitae for this missense variant, however the output from this modeling did not meet the statistical confidence thresholds required to predict the impact of this variant on NLRP3 protein function. In summary, the available evidence is currently insufficient to determine the role of this variant in disease. Therefore, it has been classified as a Variant of Uncertain Significance.

NM_001243133.2(NLRP3):c.1277G>A (p.Ser426Asn)

Gene: NLRP3 (NLR family pyrin domain containing 3; plus strand). Cytogenetic location: 1q44.
Variant type: single nucleotide variant.
Coding change: c.1277G>A on transcript NM_001243133.2 (MANE Select); coding-DNA position 1277, G replaced by A.
Protein change: p.Ser426Asn; replaces serine 426 with asparagine.
Molecular consequence: missense variant.
Genome position (GRCh38, 1-based): chr1:247,424,726, G>A. VCF-style: chr1-247424726-G-A. GRCh37 (hg19) VCF-style: chr1-247588028-G-A.
Other names: c.1277G>A, p.Ser426Asn (NM_001079821.3, NM_001127461.3, NM_001127462.3 and 1 more transcripts); c.1283G>A, p.Ser428Asn (NM_004895.5); short protein forms S426N, S428N.
Identifiers: ClinVar variation 2793272 (VCV002793272.3), dbSNP rs2527268007, ClinGen allele CA345556549.